The following is an entry in ClinVar:

ClinVar aggregate classification (germline): Uncertain significance (1 of 4 stars; one submission).

Conditions:
Hereditary cancer-predisposing syndrome. Also called: Hereditary neoplastic syndrome; Hereditary Cancer Syndrome; Neoplastic Syndromes, Hereditary; Tumor predisposition. Identifiers: Orphanet 140162, MedGen C0027672, MeSH D009386, MONDO:0015356.

Submission:

Ambry Genetics
Classification: Uncertain significance for Hereditary cancer-predisposing syndrome. Last evaluated: 2023-06-14. Review status: criteria provided, single submitter. Criteria: Ambry Variant Classification Scheme 2023. Collection method: clinical testing. Allele origin: germline.
Comment: The p.G1267D variant (also known as c.3800G>A), located in coding exon 26 of the SMARCA4 gene, results from a G to A substitution at nucleotide position 3800. The glycine at codon 1267 is replaced by aspartic acid, an amino acid with similar properties. This amino acid position is highly conserved in available vertebrate species. In addition, the in silico prediction for this alteration is inconclusive. Missense and in-frame variants in SMARCA4 are known to cause neurodevelopmental disorders; however, such associations with rhabdoid tumor predisposition syndrome including small cell carcinoma of the ovary-hypercalcemic type (SCCOHT) are exceedingly rare (Kosho T et al. Am J Med Genet C Semin Med Genet. 2014 Sep;166C(3):262-75; Jelinic P et al. Nat Genet. 2014 May;46(5):424-6). Based on the supporting evidence, the association of this alteration with Coffin-Siris syndrome is unknown; however, the association of this alteration with rhabdoid tumor predisposition syndrome is unlikely.

NM_003072.5(SMARCA4):c.3800G>A (p.Gly1267Asp)

Gene: SMARCA4 (SWI/SNF related BAF chromatin remodeling complex subunit ATPase 4; plus strand). Cytogenetic location: 19p13.2.
Variant type: single nucleotide variant.
Coding change: c.3800G>A on transcript NM_003072.5 (MANE Select); coding-DNA position 3800, G replaced by A.
Protein change: p.Gly1267Asp; replaces glycine 1267 with aspartic acid.
Molecular consequence: missense variant. On other transcripts: intron variant (6).
Genome position (GRCh38, 1-based): chr19:11,033,792, G>A. VCF-style: chr19-11033792-G-A. GRCh37 (hg19) VCF-style: chr19-11144468-G-A.
Other names: c.3800G>A, p.Gly1267Asp (NM_001128844.3, NM_001128849.3, NM_001387283.1); c.3774+275G>A (NM_001128847.4, NM_001411150.1, NM_001374457.1 and 3 more transcripts); short protein forms G1267D.
Identifiers: ClinVar variation 2567158 (VCV002567158.2), dbSNP rs2146665377, ClinGen allele CA404066482.